The following is an entry in ClinVar:

ClinVar aggregate classification (germline): Uncertain significance (1 of 4 stars; one submission).

Allele frequency attached by ClinVar (database versions not stated): 1000 Genomes Project 30x 0.00031.
gnomAD v4.1: 30 of 1,613,772 alleles (0.0019%); highest among the groups gnomAD compares: African/African-American, 0.015%; no homozygotes.

Submission:

Labcorp Genetics (formerly Invitae), Labcorp
Classification: Uncertain significance. Last evaluated: 2022-07-12. Review status: criteria provided, single submitter. Criteria: Invitae Variant Classification Sherloc (09022015). Collection method: clinical testing. Allele origin: germline.
Comment: This sequence change replaces lysine, which is basic and polar, with asparagine, which is neutral and polar, at codon 723 of the SLC26A3 protein (p.Lys723Asn). This variant is present in population databases (rs142908255, gnomAD 0.02%). This variant has not been reported in the literature in individuals affected with SLC26A3-related conditions. ClinVar contains an entry for this variant (Variation ID: 1469586). Algorithms developed to predict the effect of missense changes on protein structure and function are either unavailable or do not agree on the potential impact of this missense change (SIFT: "Deleterious"; PolyPhen-2: "Possibly Damaging"; Align-GVGD: "Class C0"). In summary, the available evidence is currently insufficient to determine the role of this variant in disease. Therefore, it has been classified as a Variant of Uncertain Significance.

NM_000111.3(SLC26A3):c.2169G>T (p.Lys723Asn)

Gene: SLC26A3 (solute carrier family 26 member 3; minus strand). Cytogenetic location: 7q22.3.
Variant type: single nucleotide variant.
Coding change: c.2169G>T on transcript NM_000111.3 (MANE Select); coding-DNA position 2169, G replaced by T.
Protein change: p.Lys723Asn; replaces lysine 723 with asparagine.
Molecular consequence: missense variant.
Genome position (GRCh38, 1-based): chr7:107,767,802, C>A on the plus strand (G>T on the coding strand, the complement: SLC26A3 is on the minus strand). VCF-style: chr7-107767802-C-A. GRCh37 (hg19) VCF-style: chr7-107408247-C-A.
Other names: short protein forms K723N.
Identifiers: ClinVar variation 1469586 (VCV001469586.3), dbSNP rs142908255, ClinGen allele CA4433564.
Genomic context (GRCh38, chr7:107,767,802, plus strand): 5'-TGAAAGTCACCAAAGAGCTGATACCTGACTGGGATTAAACTTTGAAGTACTGTAATCTTT[C>A]TTCATCAAAATATGCAAAACAGCATCATGGATTGTTAAGAAAAATATTGAGCTTTTCACT-3'
Protein context (NP_000102.1, residues 713-733): IHDAVLHILM[Lys723Asn]KDYSTSKFNP